The following is an entry in ClinVar:

NM_001749.4(CAPNS1):c.721+1G>A

Gene: CAPNS1 (calpain small subunit 1; plus strand). Cytogenetic location: 19q13.12.
Variant type: single nucleotide variant.
Coding change: c.721+1G>A on transcript NM_001749.4 (MANE Select); the canonical splice donor site of the intron after coding-DNA position 721, G replaced by A.
Molecular consequence: splice donor variant.
Genome position (GRCh38, 1-based): chr19:36,146,313, G>A. VCF-style: chr19-36146313-G-A. GRCh37 (hg19) VCF-style: chr19-36637215-G-A.
Other names: IVS8, G-A, +1; c.721+1G>A (NM_001302632.2, NM_001003962.3); c.385+1G>A (NM_001302633.2).
Identifiers: ClinVar variation 3066188 (VCV003066188.2), dbSNP rs760597333, ClinGen allele CA9397621.
Genomic context (GRCh38, chr19:36,146,313, plus strand): 5'-GTGGGAACATGGATTTTGACAACTTCATCAGCTGCTTGGTCAGGCTGGACGCCATGTTCC[G>A]TGAGTGACAACCCAGCTGTCTTCCTGGGTGGGGATTCCTATGACCTCTATGGACCAAGGT-3'

ClinVar aggregate classification (germline): Likely pathogenic. Review status: criteria provided, single submitter (1 of 4 stars). 2 submissions from 2 submitters: Likely pathogenic (1). 1 of the submissions does not count toward it. Last evaluated 2025-07-09.

Conditions:
Pulmonary hypertension, primary, 6 (PPH6). Identifiers: MedGen C5935600, MONDO:0958334, OMIM 620777.

Allele frequency attached by ClinVar (database versions not stated): ExAC 0.00002; TOPMed 0.00003; gnomAD exomes 0.00001; gnomAD 0.00003.
gnomAD v4.1: 24 of 1,596,480 alleles (0.0015%); highest among the groups gnomAD compares: South Asian, 0.0022%; no homozygotes.

Submissions (2):

First Genomix Gene Laboratory, Genetic Diagnostics Department
Classification: Likely pathogenic for Pulmonary hypertension, primary, 6. Last evaluated: 2025-07-09. Review status: criteria provided, single submitter. Criteria: ACMG Guidelines, 2015. Collection method: clinical testing. Allele origin: germline. Inheritance: Autosomal recessive inheritance. Affected: no. Observed: 1 variant allele.

OMIM
Classification: Pathogenic for PULMONARY HYPERTENSION, PRIMARY, 6. Last evaluated: 2024-04-03. Review status: no assertion criteria provided. Collection method: literature only. Allele origin: germline. Not counted in ClinVar's aggregate classification.

Literature cited by the submitters: PubMed 38230350 (cited by OMIM); PubMed 21972389 (cited by OMIM).